The following is an entry in ClinVar:

ClinVar aggregate classification (germline): Uncertain significance (1 of 4 stars; one submission).

Conditions:
GP1BA-related disorder. Also called: GP1BA-related condition.

gnomAD v4.1: 23 of 1,613,862 alleles (0.0014%); highest among the groups gnomAD compares: Middle Eastern, 0.033%; no homozygotes.

Submission:

PreventionGenetics, part of Exact Sciences
Classification: Uncertain significance for GP1BA-related condition. Last evaluated: 2026-07-29. Review status: criteria provided, single submitter. Criteria: ACMG Guidelines, 2015. Collection method: clinical testing. Allele origin: germline.
Comment: The GP1BA c.1157C>G variant is predicted to result in the amino acid substitution p.Pro386Arg. To our knowledge, this variant has not been reported in the literature. This variant is reported in 0.0087% of alleles in individuals of Latino descent in gnomAD. At this time, the clinical significance of this variant is uncertain due to the absence of conclusive functional and genetic evidence.

NM_000173.7(GP1BA):c.1157C>G (p.Pro386Arg)

Gene: GP1BA (glycoprotein Ib platelet subunit alpha; plus strand). Cytogenetic location: 17p13.2.
Variant type: single nucleotide variant.
Coding change: c.1157C>G on transcript NM_000173.7 (MANE Select); coding-DNA position 1157, C replaced by G.
Protein change: p.Pro386Arg; replaces proline 386 with arginine.
Molecular consequence: missense variant.
Genome position (GRCh38, 1-based): chr17:4,933,761, C>G. VCF-style: chr17-4933761-C-G. GRCh37 (hg19) VCF-style: chr17-4837056-C-G.
Other names: short protein forms P386R.
Identifiers: ClinVar variation 4989704 (VCV004989704.1).